The following is an entry in ClinVar:

ClinVar aggregate classification (germline): Uncertain significance. Review status: criteria provided, multiple submitters, no conflicts (2 of 4 stars). 2 submissions from 2 submitters: Uncertain significance (2). Last evaluated 2025-08-03.

Conditions:
Inborn genetic diseases. Identifiers: MedGen C0950123, MeSH D030342.

gnomAD v4.1: 61 of 1,613,600 alleles (0.0038%); highest among the groups gnomAD compares: Admixed American, 0.0083%; no homozygotes.

Submissions (2):

Ambry Genetics
Classification: Uncertain significance for Inborn genetic diseases. Last evaluated: 2025-08-03. Review status: criteria provided, single submitter. Criteria: Ambry Variant Classification Scheme 2023. Collection method: clinical testing. Allele origin: germline.

GeneDx
Classification: Uncertain significance. Last evaluated: 2024-09-17. Review status: criteria provided, single submitter. Criteria: GeneDx Variant Classification Process June 2021. Collection method: clinical testing. Allele origin: germline. Affected: yes.
Comment: In silico analysis supports that this missense variant has a deleterious effect on protein structure/function; Has not been previously published as pathogenic or benign to our knowledge

NM_006828.4(ASCC3):c.4820A>G (p.Asn1607Ser)

Gene: ASCC3 (activating signal cointegrator 1 complex subunit 3; minus strand). Cytogenetic location: 6q16.3.
Variant type: single nucleotide variant.
Coding change: c.4820A>G on transcript NM_006828.4 (MANE Select); coding-DNA position 4820, A replaced by G.
Protein change: p.Asn1607Ser; replaces asparagine 1607 with serine.
Molecular consequence: missense variant.
Genome position (GRCh38, 1-based): chr6:100,607,054, T>C on the plus strand (A>G on the coding strand, the complement: ASCC3 is on the minus strand). VCF-style: chr6-100607054-T-C. GRCh37 (hg19) VCF-style: chr6-101054930-T-C.
Other names: short protein forms N1607S.
Identifiers: ClinVar variation 3769907 (VCV003769907.2).